The following is an entry in ClinVar:

NM_004385.5(VCAN):c.853G>A (p.Ala285Thr)

Gene: VCAN (versican; plus strand). Cytogenetic location: 5q14.3.
Variant type: single nucleotide variant.
Coding change: c.853G>A on transcript NM_004385.5 (MANE Select); coding-DNA position 853, G replaced by A.
Protein change: p.Ala285Thr; replaces alanine 285 with threonine.
Molecular consequence: missense variant.
Genome position (GRCh38, 1-based): chr5:83,512,207, G>A. VCF-style: chr5-83512207-G-A. GRCh37 (hg19) VCF-style: chr5-82808026-G-A.
Other names: c.853G>A, p.Ala285Thr (NM_001126336.3, NM_001164097.2, NM_001164098.2); short protein forms A285T.
Identifiers: ClinVar variation 852057 (VCV000852057.9), dbSNP rs772507717, ClinGen allele CA3332539.

ClinVar aggregate classification (germline): Uncertain significance (1 of 4 stars; one submission).

Allele frequency attached by ClinVar (database versions not stated): gnomAD 0.00001; gnomAD exomes 0.00001; TOPMed 0.00001; ExAC 0.00002.

Submission:

Labcorp Genetics (formerly Invitae), Labcorp
Classification: Uncertain significance. Last evaluated: 2025-12-29. Review status: criteria provided, single submitter. Criteria: Invitae Variant Classification Sherloc (09022015). Collection method: clinical testing. Allele origin: germline.
Comment: This sequence change replaces alanine, which is neutral and non-polar, with threonine, which is neutral and polar, at codon 285 of the VCAN protein (p.Ala285Thr). This variant is present in population databases (rs772507717, gnomAD 0.003%). This variant has not been reported in the literature in individuals affected with VCAN-related conditions. ClinVar contains an entry for this variant (Variation ID: 852057). An algorithm developed to predict the effect of missense changes on protein structure and function (PolyPhen-2) suggests that this variant is likely to be disruptive. In summary, the available evidence is currently insufficient to determine the role of this variant in disease. Therefore, it has been classified as a Variant of Uncertain Significance.